The following is an entry in ClinVar:

ClinVar aggregate classification (germline): Uncertain significance (1 of 4 stars; one submission).

Allele frequency attached by ClinVar (database versions not stated): gnomAD exomes 0.00001; TOPMed 0.00001.
gnomAD v4.1: 6 of 1,207,823 alleles (0.0005%); highest among the groups gnomAD compares: South Asian, 0.0035%; no homozygotes.

Submission:

GeneDx
Classification: Uncertain significance. Last evaluated: 2024-01-17. Review status: criteria provided, single submitter. Criteria: GeneDx Variant Classification Process June 2021. Collection method: clinical testing. Allele origin: germline. Affected: yes.
Comment: Not observed at significant frequency in large population cohorts (gnomAD); The majority of missense variants in this gene are considered pathogenic (HGMD); In silico analysis, which includes protein predictors and evolutionary conservation, supports a deleterious effect; Has not been previously published as pathogenic or benign to our knowledge

NM_001184880.2(PCDH19):c.194C>T (p.Ser65Phe)

Gene: PCDH19 (protocadherin 19; minus strand). Cytogenetic location: Xq22.1.
Variant type: single nucleotide variant.
Coding change: c.194C>T on transcript NM_001184880.2 (MANE Select); coding-DNA position 194, C replaced by T.
Protein change: p.Ser65Phe; replaces serine 65 with phenylalanine.
Molecular consequence: missense variant.
Genome position (GRCh38, 1-based): chrX:100,408,404, G>A on the plus strand (C>T on the coding strand, the complement: PCDH19 is on the minus strand). VCF-style: chrX-100408404-G-A. GRCh37 (hg19) VCF-style: chrX-99663402-G-A.
Other names: c.194C>T, p.Ser65Phe (NM_001105243.2, NM_020766.3); short protein forms S65F.
Identifiers: ClinVar variation 1311409 (VCV001311409.3), dbSNP rs769833284, ClinGen allele CA10469008.
Genomic context (GRCh38, chrX:100,408,404, plus strand): 5'-TGCTTGGTGACCAGCAGGCCAGAGCTGGGATTGATGTCCACTAGGTGTGGAGCCGAGTTG[G>A]ACACCACGCGAAAGGCTGAAGCCTGCCGGGGGTCCAGCGCGAAGCCCGCCTCTCGCGCGT-3'
Protein context (NP_001171809.1, residues 55-75): PRQASAFRVV[Ser65Phe]NSAPHLVDIN